The following is an entry in ClinVar:

ClinVar aggregate classification (germline): Uncertain significance (1 of 4 stars; one submission).

Allele frequency attached by ClinVar (database versions not stated): ExAC 0.00001; gnomAD exomes 0.00001 and 0.00003; gnomAD 0.00002.
gnomAD v4.1: 20 of 1,605,020 alleles (0.0012%); highest among the groups gnomAD compares: South Asian, 0.021%; no homozygotes.

Submission:

Labcorp Genetics (formerly Invitae), Labcorp
Classification: Uncertain significance. Last evaluated: 2021-08-12. Review status: criteria provided, single submitter. Criteria: Invitae Variant Classification Sherloc (09022015). Collection method: clinical testing. Allele origin: germline.
Comment: In summary, the available evidence is currently insufficient to determine the role of this variant in disease. Therefore, it has been classified as a Variant of Uncertain Significance. Variants that disrupt the consensus splice site are a relatively common cause of aberrant splicing (PMID: 17576681, 9536098). Experimental studies and prediction algorithms are not available or were not evaluated, and the effect of this variant on mRNA splicing is currently unknown. This variant has not been reported in the literature in individuals affected with CTSB-related conditions. The frequency data for this variant in the population databases is considered unreliable, as metrics indicate poor data quality at this position in the ExAC database. This sequence change falls in intron 4 of the CTSB gene. It does not directly change the encoded amino acid sequence of the CTSB protein. It affects a nucleotide within the consensus splice site of the intron.

Literature cited by the submitters: PubMed 17576681; PubMed 9536098.

NM_001908.5(CTSB):c.327+4A>T

Gene: CTSB (cathepsin B). Cytogenetic location: 8p23.1.
Variant type: single nucleotide variant.
Coding change: c.327+4A>T on transcript NM_001908.5 (MANE Select); 4 bases into the intron after coding-DNA position 327, A replaced by T.
Molecular consequence: intron variant.
Genome position (GRCh38, 1-based): chr8:11,850,862, T>A on the plus strand (A>T on the coding strand, the complement: CTSB is on the minus strand). VCF-style: chr8-11850862-T-A. GRCh37 (hg19) VCF-style: chr8-11708371-T-A.
Other names: c.327+4A>T (NM_001384728.1, NM_147783.4, NM_147781.4 and 8 more transcripts); c.74+4A>T (NM_001317237.2).
Identifiers: ClinVar variation 1412930 (VCV001412930.6), dbSNP rs747446660, ClinGen allele CA4633036.